The following is an entry in ClinVar:

ClinVar aggregate classification (germline): Uncertain significance (1 of 4 stars; one submission).

Conditions:
Congenital disorder of glycosylation, type Ii. Also called: ALG2-congenital disorder of glycosylation; CDG Ii; ALG2-CDG. Identifiers: Orphanet 79326, MedGen C1842836, MONDO:0011933, OMIM 607906.
Congenital myasthenic syndrome 14. Also called: Myasthenic syndrome, congenital, 14, with tubular aggregates. Identifiers: Orphanet 353327, Orphanet 590, MedGen C4015597, MONDO:0014543, OMIM 616228.

Submission:

Labcorp Genetics (formerly Invitae), Labcorp
Classification: Uncertain significance for Congenital disorder of glycosylation, type Ii; Congenital myasthenic syndrome 14. Last evaluated: 2025-07-30. Review status: criteria provided, single submitter. Criteria: Invitae Variant Classification Sherloc (09022015). Collection method: clinical testing. Allele origin: germline.
Comment: This sequence change replaces leucine, which is neutral and non-polar, with serine, which is neutral and polar, at codon 254 of the ALG2 protein (p.Leu254Ser). This variant is not present in population databases (gnomAD no frequency). This variant has not been reported in the literature in individuals affected with ALG2-related conditions. An algorithm developed to predict the effect of missense changes on protein structure and function (PolyPhen-2) suggests that this variant is likely to be disruptive. In summary, the available evidence is currently insufficient to determine the role of this variant in disease. Therefore, it has been classified as a Variant of Uncertain Significance.

NM_033087.4(ALG2):c.761T>C (p.Leu254Ser)

Gene: ALG2 (ALG2 alpha-1,3/1,6-mannosyltransferase; minus strand). Cytogenetic location: 9q22.33.
Variant type: single nucleotide variant.
Coding change: c.761T>C on transcript NM_033087.4 (MANE Select); coding-DNA position 761, T replaced by C.
Protein change: p.Leu254Ser; replaces leucine 254 with serine.
Molecular consequence: missense variant. On other transcripts: non-coding transcript variant (1).
Genome position (GRCh38, 1-based): chr9:99,218,424, A>G on the plus strand (T>C on the coding strand, the complement: ALG2 is on the minus strand). VCF-style: chr9-99218424-A-G. GRCh37 (hg19) VCF-style: chr9-101980706-A-G.
Other names: short protein forms L254S.
Identifiers: ClinVar variation 4788812 (VCV004788812.1).
Genomic context (GRCh38, chr9:99,218,424, plus strand): 5'-ACTCTCTCGTCATAACCACCTGCCACGATCAGATGAACCCTCTCCCAATCTTGGGATGTC[A>G]ATCTTCCACGCAGCTGTACTAGGGCTTCCAGTGCCAAAGTCAGATTTTTCTTCCTTTCGT-3'
Protein context (NP_149078.1, residues 244-264): LEALVQLRGR[Leu254Ser]TSQDWERVHL